The following is an entry in ClinVar:

ClinVar aggregate classification (germline): Uncertain significance (1 of 4 stars; one submission).

Conditions:
Facioscapulohumeral muscular dystrophy 2 (FSHD2). Also called: MUSCULAR DYSTROPHY, FACIOSCAPULOHUMERAL, TYPE 1B; FACIOSCAPULOHUMERAL MUSCULAR DYSTROPHY 2, DIGENIC; FSHD2, DIGENIC. Identifiers: Orphanet 269, MedGen C1834671, MONDO:0008031, OMIM 158901.

Submission:

Labcorp Genetics (formerly Invitae), Labcorp
Classification: Uncertain significance for Facioscapulohumeral muscular dystrophy 2. Last evaluated: 2024-10-18. Review status: criteria provided, single submitter. Criteria: Invitae Variant Classification Sherloc (09022015). Collection method: clinical testing. Allele origin: germline.
Comment: This variant, c.5262_5270del, results in the deletion of 3 amino acid(s) of the SMCHD1 protein (p.Leu1755_Thr1757del), but otherwise preserves the integrity of the reading frame. This variant is not present in population databases (gnomAD no frequency). This variant has not been reported in the literature in individuals affected with SMCHD1-related conditions. ClinVar contains an entry for this variant (Variation ID: 964043). Experimental studies and prediction algorithms are not available or were not evaluated, and the functional significance of this variant is currently unknown. In summary, the available evidence is currently insufficient to determine the role of this variant in disease. Therefore, it has been classified as a Variant of Uncertain Significance.

NM_015295.3(SMCHD1):c.5262_5270del (p.Leu1755_Thr1757del)

Gene: SMCHD1 (structural maintenance of chromosomes flexible hinge domain containing 1; plus strand). Cytogenetic location: 18p11.32.
Variant type: Deletion.
Coding change: c.5262_5270del on transcript NM_015295.3 (MANE Select); coding-DNA positions 5262 to 5270, 9 bases deleted (CCTAACCAC; older notation c.5262_5270delCCTAACCAC).
Protein change: p.Leu1755_Thr1757del.
Molecular consequence: inframe deletion.
Genome position (GRCh38, 1-based): chr18:2,775,820-2,775,828, CCTAACCAC deleted; deleting any 9 consecutive bases within chr18:2,775,817-2,775,828 gives the same sequence; the c. name uses the placement nearest the transcript's 3' end. VCF-style (leftmost placement, unchanged base first): chr18-2775816-TCACCCTAAC-T. GRCh37 (hg19) VCF-style: chr18-2775814-TCACCCTAAC-T.
Identifiers: ClinVar variation 964043 (VCV000964043.9), dbSNP rs2076057081, ClinGen allele CA1139665944.